The following is an entry in ClinVar:

NM_206809.4(MOG):c.306A>G (p.Lys102=)

Gene: MOG (myelin oligodendrocyte glycoprotein; plus strand). Cytogenetic location: 6p22.1.
Variant type: single nucleotide variant.
Coding change: c.306A>G on transcript NM_206809.4 (MANE Select); coding-DNA position 306, A replaced by G.
Protein change: p.Lys102=; no amino-acid change (lysine 102 retained).
Molecular consequence: synonymous variant. On other transcripts: intron variant (2).
Genome position (GRCh38, 1-based): chr6:29,659,536, A>G. VCF-style: chr6-29659536-A-G. GRCh37 (hg19) VCF-style: chr6-29627313-A-G.
Other names: c.306A>G, p.Lys102= (NM_001008228.3, NM_001008229.3, NM_001363610.2 and 4 more transcripts); c.88+2239A>G (NM_001170418.2, NM_206814.6).
Identifiers: ClinVar variation 3056332 (VCV003056332.16), dbSNP rs34758289, ClinGen allele CA3690419.
Genomic context (GRCh38, chr6:29,659,536, plus strand): 5'-TGGCAAGGACCAAGATGGAGACCAGGCACCTGAATATCGGGGCCGGACAGAGCTGCTGAA[A>G]GATGCTATTGGTGAGGGAAAGGTGACTCTCAGGATCCGGAATGTAAGGTTCTCAGATGAA-3'
Protein context (NP_996532.2, residues 92-112): PEYRGRTELL[Lys102=]DAIGEGKVTL

ClinVar aggregate classification (germline): Benign. Review status: criteria provided, single submitter (1 of 4 stars). 2 submissions from 2 submitters: Benign (1). 1 of the submissions does not count toward it. Last evaluated 2026-07-01.

Conditions:
MOG-related disorder. Also called: MOG-related condition.

Allele frequency attached by ClinVar (database versions not stated): 1000 Genomes Project 0.00439; 1000 Genomes Project 30x 0.00484; gnomAD 0.00877; TOPMed 0.00921; ExAC 0.00973; ESP Exome Variant Server 0.00983; gnomAD exomes 0.01291.
gnomAD v4.1: 20,123 of 1,613,114 alleles (1.2%); highest among the groups gnomAD compares: Middle Eastern, 2.1%; 170 homozygotes.

Submissions (2):

CeGaT Center for Human Genetics Tuebingen
Classification: Benign. Last evaluated: 2026-07-01. Review status: criteria provided, single submitter. Criteria: CeGaT Center For Human Genetics Tuebingen Variant Classification Criteria Version 2. Collection method: clinical testing. Allele origin: germline. Affected: yes. Observed: 5 variant alleles.
Comment: MOG: BP4, BP7, BS1, BS2

PreventionGenetics, part of Exact Sciences
Classification: Likely benign for MOG-related condition. Last evaluated: 2020-02-14. Review status: no assertion criteria provided. Collection method: clinical testing. Allele origin: germline. Not counted in ClinVar's aggregate classification.
Comment: This variant is classified as likely benign based on ACMG/AMP sequence variant interpretation guidelines (Richards et al. 2015 PMID: 25741868, with internal and published modifications).